The following is an entry in ClinVar:

NM_001079802.2(FKTN):c.1265A>G (p.Asn422Ser)

Gene: FKTN (fukutin; plus strand). Cytogenetic location: 9q31.2.
Variant type: single nucleotide variant.
Coding change: c.1265A>G on transcript NM_001079802.2 (MANE Select); coding-DNA position 1265, A replaced by G.
Protein change: p.Asn422Ser; replaces asparagine 422 with serine.
Molecular consequence: missense variant. On other transcripts: 3 prime UTR variant (1), non-coding transcript variant (2).
Genome position (GRCh38, 1-based): chr9:105,635,143, A>G. VCF-style: chr9-105635143-A-G. GRCh37 (hg19) VCF-style: chr9-108397424-A-G.
Other names: c.1265A>G, p.Asn422Ser (NM_001198963.2, NM_001351496.2, NM_006731.2); c.1196A>G, p.Asn399Ser (NM_001351497.2); c.*57A>G (NM_001351498.2); c.869A>G, p.Asn290Ser (NM_001351499.2, NM_001351500.2, NM_001351501.2 and 1 more transcripts); short protein forms N290S, N399S, N422S.
Identifiers: ClinVar variation 1022112 (VCV001022112.10), dbSNP rs1833935107, ClinGen allele CA374378208.
Genomic context (GRCh38, chr9:105,635,143, plus strand): 5'-CTGAGTTTGTAGACATGAAGGTCCATGTACCCTGTGAAACCCTCGAATACATTGAAGCCA[A>G]CTATGGTAAGACCTGGAAGATTCCTGTAAAGACGTGGGACTGGAAGCGCTCTCCTCCCAA-3'
Protein context (NP_001073270.1, residues 412-432): PCETLEYIEA[Asn422Ser]YGKTWKIPVK

ClinVar aggregate classification (germline): Uncertain significance. Review status: criteria provided, single submitter (1 of 4 stars). 2 submissions from 2 submitters: Uncertain significance (1). 1 of the submissions does not count toward it. Last evaluated 2021-08-27.

Conditions:
Walker-Warburg congenital muscular dystrophy. Also called: Muscular dystrophy-dystroglycanopathy, type A; Walker-Warburg syndrome. Identifiers: Orphanet 899, MedGen C0265221, MONDO:0000171.

gnomAD v4.1: 2 of 1,614,082 alleles (0.00012%); highest among the groups gnomAD compares: African/African-American, 0.0013%; no homozygotes.

Submissions (2):

Labcorp Genetics (formerly Invitae), Labcorp
Classification: Uncertain significance for Walker-Warburg congenital muscular dystrophy. Last evaluated: 2021-08-27. Review status: criteria provided, single submitter. Criteria: Invitae Variant Classification Sherloc (09022015). Collection method: clinical testing. Allele origin: germline.
Comment: This sequence change replaces asparagine with serine at codon 422 of the FKTN protein (p.Asn422Ser). The asparagine residue is highly conserved and there is a small physicochemical difference between asparagine and serine. This variant is not present in population databases (ExAC no frequency). This variant has not been reported in the literature in individuals affected with FKTN-related conditions. Algorithms developed to predict the effect of missense changes on protein structure and function are either unavailable or do not agree on the potential impact of this missense change (SIFT: "Tolerated"; PolyPhen-2: "Probably Damaging"; Align-GVGD: "Class C0"). In summary, the available evidence is currently insufficient to determine the role of this variant in disease. Therefore, it has been classified as a Variant of Uncertain Significance.

Natera, Inc.
Classification: Uncertain significance for Walker-Warburg congenital muscular dystrophy. Last evaluated: 2020-03-24. Review status: no assertion criteria provided. Collection method: clinical testing. Allele origin: germline. Not counted in ClinVar's aggregate classification.